The following is an entry in ClinVar:

ClinVar aggregate classification (germline): Uncertain significance. Review status: criteria provided, multiple submitters, no conflicts (2 of 4 stars). 3 submissions from 3 submitters: Uncertain significance (3). Last evaluated 2024-09-02.

Conditions:
Cardiovascular phenotype. Identifiers: MedGen CN230736.
Dilated cardiomyopathy 1O (CMD1O). Also called: CARDIOMYOPATHY, DILATED, WITH VENTRICULAR TACHYCARDIA. Identifiers: Orphanet 154, MedGen C1837839, MONDO:0012062, OMIM 608569.

Allele frequency attached by ClinVar (database versions not stated): gnomAD exomes below 0.00001; TOPMed below 0.00001; ExAC 0.00001; gnomAD 0.00001; 1000 Genomes Project 30x 0.00016; 1000 Genomes Project 0.00020.
gnomAD v4.1: 4 of 1,578,326 alleles (0.00025%); highest among the groups gnomAD compares: East Asian, 0.0091%; no homozygotes.

Submissions (3):

Labcorp Genetics (formerly Invitae), Labcorp
Classification: Uncertain significance for Dilated cardiomyopathy 1O. Last evaluated: 2024-09-02. Review status: criteria provided, single submitter. Criteria: Invitae Variant Classification Sherloc (09022015). Collection method: clinical testing. Allele origin: germline.
Comment: This sequence change replaces alanine, which is neutral and non-polar, with threonine, which is neutral and polar, at codon 276 of the ABCC9 protein (p.Ala276Thr). The frequency data for this variant in the population databases is considered unreliable, as metrics indicate poor data quality at this position in the gnomAD database. This variant has not been reported in the literature in individuals affected with ABCC9-related conditions. ClinVar contains an entry for this variant (Variation ID: 234974). Invitae Evidence Modeling of protein sequence and biophysical properties (such as structural, functional, and spatial information, amino acid conservation, physicochemical variation, residue mobility, and thermodynamic stability) indicates that this missense variant is not expected to disrupt ABCC9 protein function with a negative predictive value of 95%. In summary, the available evidence is currently insufficient to determine the role of this variant in disease. Therefore, it has been classified as a Variant of Uncertain Significance.

Ambry Genetics
Classification: Uncertain significance for Cardiovascular phenotype. Last evaluated: 2023-12-06. Review status: criteria provided, single submitter. Criteria: Ambry Variant Classification Scheme 2023. Collection method: clinical testing. Allele origin: germline.
Comment: The p.A276T variant (also known as c.826G>A), located in coding exon 6 of the ABCC9 gene, results from a G to A substitution at nucleotide position 826. The alanine at codon 276 is replaced by threonine, an amino acid with similar properties. This amino acid position is poorly conserved in available vertebrate species. In addition, this alteration is predicted to be tolerated by in silico analysis. Since supporting evidence is limited at this time, the clinical significance of this alteration remains unclear.

Stanford Center for Inherited Cardiovascular Disease, Stanford University
Classification: Uncertain significance. Review status: criteria provided, single submitter. Criteria: ACMG Guidelines, 2015. Collection method: provider interpretation. Allele origin: germline.

NM_020297.4(ABCC9):c.826G>A (p.Ala276Thr)

Gene: ABCC9 (ATP binding cassette subfamily C member 9; minus strand). Cytogenetic location: 12p12.1.
Variant type: single nucleotide variant.
Coding change: c.826G>A on transcript NM_020297.4 (MANE Select); coding-DNA position 826, G replaced by A.
Protein change: p.Ala276Thr; replaces alanine 276 with threonine.
Molecular consequence: missense variant. On other transcripts: 5 prime UTR variant (1).
Genome position (GRCh38, 1-based): chr12:21,913,057, C>T on the plus strand (G>A on the coding strand, the complement: ABCC9 is on the minus strand). VCF-style: chr12-21913057-C-T. GRCh37 (hg19) VCF-style: chr12-22065991-C-T.
Other names: c.826G>A, p.Ala276Thr (NM_001377273.1, NM_005691.4); c.-39G>A (NM_001377274.1); short protein forms A276T.
Identifiers: ClinVar variation 234974 (VCV000234974.10), dbSNP rs201783967, ClinGen allele CA6481790.